The following is an entry in ClinVar:

ClinVar aggregate classification (germline): Likely benign. Review status: criteria provided, multiple submitters, no conflicts (2 of 4 stars). 2 submissions from 2 submitters: Likely benign (2). Last evaluated 2025-08-29.

gnomAD v4.1: 20 of 1,613,820 alleles (0.0012%); highest among the groups gnomAD compares: Middle Eastern, 0.016%; no homozygotes.

Submissions (2):

Labcorp Genetics (formerly Invitae), Labcorp
Classification: Likely benign. Last evaluated: 2025-08-29. Review status: criteria provided, single submitter. Criteria: Invitae Variant Classification Sherloc (09022015). Collection method: clinical testing. Allele origin: germline.

CeGaT Center for Human Genetics Tuebingen
Classification: Likely benign. Last evaluated: 2025-02-01. Review status: criteria provided, single submitter. Criteria: CeGaT Center For Human Genetics Tuebingen Variant Classification Criteria Version 2. Collection method: clinical testing. Allele origin: germline. Affected: yes. Observed: 1 variant allele.
Comment: FAT1: BP4, BP7

NM_005245.4(FAT1):c.1887G>A (p.Ser629=)

Gene: FAT1 (FAT atypical cadherin 1; minus strand). Cytogenetic location: 4q35.2.
Variant type: single nucleotide variant.
Coding change: c.1887G>A on transcript NM_005245.4 (MANE Select); coding-DNA position 1887, G replaced by A.
Protein change: p.Ser629=; no amino-acid change (serine 629 retained).
Molecular consequence: synonymous variant.
Genome position (GRCh38, 1-based): chr4:186,707,941, C>T on the plus strand (G>A on the coding strand, the complement: FAT1 is on the minus strand). VCF-style: chr4-186707941-C-T. GRCh37 (hg19) VCF-style: chr4-187629095-C-T.
Identifiers: ClinVar variation 3771666 (VCV003771666.14).